The following is an entry in ClinVar:

NM_006015.6(ARID1A):c.883C>T (p.Leu295Phe)

Genes: ARID1A (AT-rich interaction domain 1A; plus strand), LOC129929837 (ATAC-STARR-seq lymphoblastoid silent region 489; plus strand). Cytogenetic location: 1p36.11.
Variant type: single nucleotide variant.
Coding change: c.883C>T on transcript NM_006015.6 (MANE Select); coding-DNA position 883, C replaced by T.
Protein change: p.Leu295Phe; replaces leucine 295 with phenylalanine.
Molecular consequence: missense variant.
Genome position (GRCh38, 1-based): chr1:26,697,286, C>T. VCF-style: chr1-26697286-C-T. GRCh37 (hg19) VCF-style: chr1-27023777-C-T.
Other names: c.883C>T, p.Leu295Phe (NM_139135.4); short protein forms L295F.
Identifiers: ClinVar variation 4853064 (VCV004853064.1).

ClinVar aggregate classification (germline): Uncertain significance (1 of 4 stars; one submission).

Submission:

Women's Health and Genetics/Laboratory Corporation of America, LabCorp
Classification: Uncertain significance. Last evaluated: 2026-05-14. Review status: criteria provided, single submitter. Criteria: LabCorp Variant Classification Summary - May 2015. Collection method: clinical testing. Allele origin: germline.
Comment: Variant summary: ARID1A c.883C>T (p.Leu295Phe) results in a non-conservative amino acid change in the encoded protein sequence. Algorithms developed to predict the effect of missense changes on protein structure and function are either unavailable or do not agree on the potential impact of this missense change. The frequency data for this variant in gnomAD is considered unreliable, as metrics indicate poor data quality at this position. To our knowledge, no occurrence of c.883C>T in individuals affected with ARID1A-related conditions and no experimental evidence demonstrating its impact on protein function have been reported. No submitters have cited clinical-significance assessments for this variant to ClinVar. Based on the evidence outlined above, the variant was classified as uncertain significance.